The following is an entry in ClinVar:

NM_000059.4(BRCA2):c.7008-20_7008-17del

Gene: BRCA2 (BRCA2 DNA repair associated; plus strand). Cytogenetic location: 13q13.1.
Variant type: Microsatellite.
Coding change: c.7008-20_7008-17del on transcript NM_000059.4 (MANE Select); 20 bases into the intron before coding-DNA position 7008 through 17 bases into the intron before coding-DNA position 7008, 4 bases deleted (ATAT; older notation c.7008-20_7008-17delATAT).
Molecular consequence: intron variant.
Genome position (GRCh38, 1-based): chr13:32,354,841-32,354,844, ATAT deleted; deleting any 4 consecutive bases within chr13:32,354,838-32,354,844 gives the same sequence; the c. name uses the placement nearest the transcript's 3' end. VCF-style (leftmost placement, unchanged base first): chr13-32354837-TTATA-T. GRCh37 (hg19) VCF-style: chr13-32928974-TTATA-T.
Other names: IVS13-20del4; c.7008-20_7008-17delATAT (NM_000059.4, NM_000059.3).
Identifiers: ClinVar variation 126125 (VCV000126125.21), dbSNP rs276174887, ClinGen allele CA024728.

ClinVar aggregate classification (germline): Conflicting classifications of pathogenicity. Review status: criteria provided, conflicting classifications (1 of 4 stars). 8 submissions from 8 submitters: Uncertain significance (1); Benign (1); Likely benign (4). 2 of the submissions do not count toward it. Last evaluated 2026-04-06.

Conditions:
BRCA2-related disorder. Also called: BRCA2-related condition; BRCA2-related disorders. Identifiers: MedGen CN239275.
Hereditary cancer-predisposing syndrome. Also called: Neoplastic Syndromes, Hereditary; Tumor predisposition; Hereditary Cancer Syndrome; Hereditary neoplastic syndrome. Identifiers: Orphanet 140162, MedGen C0027672, MeSH D009386, MONDO:0015356.
Hereditary breast ovarian cancer syndrome. Also called: BRCA1- and BRCA2-Associated Hereditary Breast and Ovarian Cancer; Hereditary breast and ovarian cancer; Hereditary breast and ovarian cancer syndrome; Hereditary breast and ovarian cancer syndrome (HBOC); Breast and ovarian cancer; Hereditary breast and/or ovarian cancer syndrome. Identifiers: Orphanet 145, MedGen C0677776, MeSH D061325, MONDO:0003582. Disease mechanism: loss of function.
Breast-ovarian cancer, familial, susceptibility to, 2 (BROVCA2). Also called: BRCA2 Hereditary Breast and Ovarian Cancer. Identifiers: Orphanet 145, MedGen C2675520, MONDO:0012933, OMIM 612555. Disease mechanism: loss of function.

Submissions (8):

Women's Health and Genetics/Laboratory Corporation of America, LabCorp
Classification: Likely benign. Last evaluated: 2026-04-06. Review status: criteria provided, single submitter. Criteria: LabCorp Variant Classification Summary - May 2015. Collection method: clinical testing. Allele origin: germline.
Comment: Variant summary: BRCA2 c.7008-20_7008-17delATAT alters a non-conserved nucleotide located at a position not widely known to affect splicing. Consensus agreement among computation tools predict no significant impact on normal splicing. However, these predictions have yet to be confirmed by functional studies. The variant was absent in 249786 control chromosomes. The available data on variant occurrences in the general population are insufficient to allow any conclusion about variant significance. To our knowledge, no occurrence of c.7008-20_7008-17delATAT in individuals affected with BRCA2-related conditions and no experimental evidence demonstrating its impact on protein function have been reported. Co-occurrences with other pathogenic variant(s) have been reported (BRCA2 c.1755_1759delGAAAA, p.Lys585fsX3), providing supporting evidence for a benign role. ClinVar contains an entry for this variant (Variation ID: 126125). Based on the evidence outlined above, the variant was classified as likely benign.

Labcorp Genetics (formerly Invitae), Labcorp
Classification: Benign for Hereditary breast ovarian cancer syndrome. Last evaluated: 2025-12-19. Review status: criteria provided, single submitter. Criteria: Invitae Variant Classification Sherloc (09022015). Collection method: clinical testing. Allele origin: germline.

PreventionGenetics, part of Exact Sciences
Classification: Likely benign for BRCA2-related condition. Last evaluated: 2025-03-14. Review status: criteria provided, single submitter. Criteria: ACMG Guidelines, 2015. Collection method: clinical testing. Allele origin: germline.
Comment: This variant is classified as likely benign based on ACMG/AMP sequence variant interpretation guidelines (Richards et al. 2015 PMID: 25741868, with internal and published modifications).

Color Diagnostics, LLC DBA Color Health
Classification: Likely benign for Hereditary cancer-predisposing syndrome. Last evaluated: 2017-12-07. Review status: criteria provided, single submitter. Criteria: ACMG Guidelines, 2015. Collection method: clinical testing. Allele origin: germline.

GeneDx
Classification: Likely benign. Last evaluated: 2016-07-03. Review status: criteria provided, single submitter. Criteria: GeneDx Variant Classification (06012015). Collection method: clinical testing. Allele origin: germline. Affected: yes.
Comment: This variant is considered likely benign or benign based on one or more of the following criteria: it is a conservative change, it occurs at a poorly conserved position in the protein, it is predicted to be benign by multiple in silico algorithms, and/or has population frequency not consistent with disease.

Molecular Genetics Laboratory, University of Michigan
Classification: Uncertain significance for Breast-ovarian cancer, familial, susceptibility to, 2. Last evaluated: 2016-04-21. Review status: criteria provided, single submitter. Criteria: ACMG Guidelines, 2015. Collection method: clinical testing. Allele origin: germline. Affected: yes.

Counsyl
Classification: Uncertain significance for Breast-ovarian cancer, familial, susceptibility to, 2. Last evaluated: 2016-02-02. Review status: no assertion criteria provided. Collection method: clinical testing. Allele origin: unknown. Not counted in ClinVar's aggregate classification.

Breast Cancer Information Core (BIC) (BRCA2)
Classification: Uncertain significance for Breast-ovarian cancer, familial 2. Last evaluated: 2002-05-29. Review status: no assertion criteria provided. Collection method: clinical testing. Allele origin: germline. Affected: yes. Observed: 1 variant allele. Not counted in ClinVar's aggregate classification.

Literature cited by the submitters: PubMed 31191615 (cited by Women's Health and Genetics/Laboratory Corporation of America, LabCorp).